The following is an entry in ClinVar:

NM_001184900.3(CARD8):c.1349G>T (p.Gly450Val)

Gene: CARD8 (caspase recruitment domain family member 8; minus strand). Cytogenetic location: 19q13.33.
Variant type: single nucleotide variant.
Coding change: c.1349G>T on transcript NM_001184900.3 (MANE Select); coding-DNA position 1349, G replaced by T.
Protein change: p.Gly450Val; replaces glycine 450 with valine.
Molecular consequence: missense variant. On other transcripts: 3 prime UTR variant (7), non-coding transcript variant (3), intron variant (1).
Genome position (GRCh38, 1-based): chr19:48,211,975, C>A on the plus strand (G>T on the coding strand, the complement: CARD8 is on the minus strand). VCF-style: chr19-48211975-C-A. GRCh37 (hg19) VCF-style: chr19-48715232-C-A.
Other names: c.1199G>T, p.Gly400Val (NM_001184901.1, NM_001351783.2, NM_014959.5); c.*28G>T (NM_001184902.2, NM_001184903.1, NM_001351788.2 and 4 more transcripts); c.1349G>T, p.Gly450Val (NM_001351782.2); c.1034G>T, p.Gly345Val (NM_001351784.2); c.1013G>T, p.Gly338Val (NM_001351786.2); c.1031G>T, p.Gly344Val (NM_001365950.1); c.524G>T, p.Gly175Val (NM_001426741.1); c.1033+3365G>T (NM_001351787.2); short protein forms G175V, G338V, G345V, G450V, G344V, G400V.
Identifiers: ClinVar variation 2831540 (VCV002831540.3), dbSNP rs2038064707, ClinGen allele CA406663475.

ClinVar aggregate classification (germline): Uncertain significance (1 of 4 stars; one submission).

Allele frequency attached by ClinVar (database versions not stated): TOPMed below 0.00001.

Submission:

Labcorp Genetics (formerly Invitae), Labcorp
Classification: Uncertain significance. Last evaluated: 2023-01-24. Review status: criteria provided, single submitter. Criteria: Invitae Variant Classification Sherloc (09022015). Collection method: clinical testing. Allele origin: germline.
Comment: In summary, the available evidence is currently insufficient to determine the role of this variant in disease. Therefore, it has been classified as a Variant of Uncertain Significance. Algorithms developed to predict the effect of missense changes on protein structure and function output the following: SIFT: "Deleterious"; PolyPhen-2: "Benign"; Align-GVGD: "Class C0". The valine amino acid residue is found in multiple mammalian species, which suggests that this missense change does not adversely affect protein function. This variant has not been reported in the literature in individuals affected with CARD8-related conditions. This variant is not present in population databases (gnomAD no frequency). This sequence change replaces glycine, which is neutral and non-polar, with valine, which is neutral and non-polar, at codon 400 of the CARD8 protein (p.Gly400Val).